The following is an entry in ClinVar:

ClinVar aggregate classification (germline): Pathogenic (1 of 4 stars; one submission).

Submission:

CeGaT Center for Human Genetics Tuebingen
Classification: Pathogenic. Last evaluated: 2026-04-01. Review status: criteria provided, single submitter. Criteria: CeGaT Center For Human Genetics Tuebingen Variant Classification Criteria Version 2. Collection method: clinical testing. Allele origin: germline. Affected: yes. Observed: 2 variant alleles.
Comment: CAMK2B: PVS1, PM2

NM_001220.5(CAMK2B):c.593G>A (p.Trp198Ter)

Gene: CAMK2B (calcium/calmodulin dependent protein kinase II beta; minus strand). Cytogenetic location: 7p13.
Variant type: single nucleotide variant.
Coding change: c.593G>A on transcript NM_001220.5 (MANE Select); coding-DNA position 593, G replaced by A.
Protein change: p.Trp198Ter; replaces tryptophan 198 with a stop codon.
Molecular consequence: nonsense.
Genome position (GRCh38, 1-based): chr7:44,243,258, C>T on the plus strand (G>A on the coding strand, the complement: CAMK2B is on the minus strand). VCF-style: chr7-44243258-C-T. GRCh37 (hg19) VCF-style: chr7-44282857-C-T.
Other names: c.593G>A, p.Trp198Ter (NM_001293170.2, NM_172078.3, NM_172079.3 and 5 more transcripts); short protein forms W198*.
Identifiers: ClinVar variation 4874785 (VCV004874785.2).